The following is an entry in ClinVar:

NM_000212.3(ITGB3):c.1133G>A (p.Arg378His)

Gene: ITGB3 (integrin subunit beta 3; plus strand). Cytogenetic location: 17q21.32.
Variant type: single nucleotide variant.
Coding change: c.1133G>A on transcript NM_000212.3 (MANE Select); coding-DNA position 1133, G replaced by A.
Protein change: p.Arg378His; replaces arginine 378 with histidine.
Molecular consequence: missense variant.
Genome position (GRCh38, 1-based): chr17:47,290,961, G>A. VCF-style: chr17-47290961-G-A. GRCh37 (hg19) VCF-style: chr17-45368327-G-A.
Other names: short protein forms R378H.
Identifiers: ClinVar variation 2068044 (VCV002068044.3), dbSNP rs761786428, ClinGen allele CA8623174.

ClinVar aggregate classification (germline): Uncertain significance (1 of 4 stars; one submission).

Allele frequency attached by ClinVar (database versions not stated): ExAC 0.00002; gnomAD 0.00005; TOPMed 0.00005.
gnomAD v4.1: 29 of 1,613,932 alleles (0.0018%); highest among the groups gnomAD compares: Admixed American, 0.0083%; no homozygotes.

Submission:

Labcorp Genetics (formerly Invitae), Labcorp
Classification: Uncertain significance. Last evaluated: 2025-08-03. Review status: criteria provided, single submitter. Criteria: Invitae Variant Classification Sherloc (09022015). Collection method: clinical testing. Allele origin: germline.
Comment: This sequence change replaces arginine, which is basic and polar, with histidine, which is basic and polar, at codon 378 of the ITGB3 protein (p.Arg378His). This variant is present in population databases (rs761786428, gnomAD 0.01%). This variant has not been reported in the literature in individuals affected with ITGB3-related conditions. ClinVar contains an entry for this variant (Variation ID: 2068044). Invitae Evidence Modeling of protein sequence and biophysical properties (such as structural, functional, and spatial information, amino acid conservation, physicochemical variation, residue mobility, and thermodynamic stability) indicates that this missense variant is expected to disrupt ITGB3 protein function with a positive predictive value of 95%. In summary, the available evidence is currently insufficient to determine the role of this variant in disease. Therefore, it has been classified as a Variant of Uncertain Significance.